The following is an entry in ClinVar:

NM_001372044.2(SHANK3):c.4888C>G (p.Pro1630Ala)

Gene: SHANK3 (SH3 and multiple ankyrin repeat domains 3; plus strand). Cytogenetic location: 22q13.33.
Variant type: single nucleotide variant.
Coding change: c.4888C>G on transcript NM_001372044.2 (MANE Select); coding-DNA position 4888, C replaced by G.
Protein change: p.Pro1630Ala; replaces proline 1630 with alanine.
Molecular consequence: missense variant.
Genome position (GRCh38, 1-based): chr22:50,730,779, C>G. VCF-style: chr22-50730779-C-G. GRCh37 (hg19) VCF-style: chr22-51169207-C-G.
Other names: short protein forms P1630A.
Identifiers: ClinVar variation 3902502 (VCV003902502.1).

ClinVar aggregate classification (germline): Uncertain significance (1 of 4 stars; one submission).

Submission:

Women's Health and Genetics/Laboratory Corporation of America, LabCorp
Classification: Uncertain significance. Last evaluated: 2025-05-05. Review status: criteria provided, single submitter. Criteria: LabCorp Variant Classification Summary - May 2015. Collection method: clinical testing. Allele origin: germline.
Comment: Variant summary: SHANK3 c.4888C>G (p.Arg1630Gly) results in a non-conservative amino acid change in the encoded protein sequence. Algorithms developed to predict the effect of missense changes on protein structure and function are either unavailable or do not agree on the potential impact of this missense change. The variant was absent in 75944 control chromosomes. The available data on variant occurrences in the general population are insufficient to allow any conclusion about variant significance. To our knowledge, no occurrence of c.4888C>G in individuals affected with Phelan-McDermid Syndrome and no experimental evidence demonstrating its impact on protein function have been reported. No submitters have cited clinical-significance assessments for this variant to ClinVar. Based on the evidence outlined above, the variant was classified as uncertain significance.